The following is an entry in ClinVar:

ClinVar aggregate classification (germline): Uncertain significance (1 of 4 stars; one submission).

Conditions:
LRRC45-related disorder. Also called: LRRC45-related condition.

Submission:

PreventionGenetics, part of Exact Sciences
Classification: Uncertain significance for LRRC45-related condition. Last evaluated: 2025-11-04. Review status: criteria provided, single submitter. Criteria: ACMG Guidelines, 2015. Collection method: clinical testing. Allele origin: germline.
Comment: The LRRC45 c.607T>G variant is predicted to result in the amino acid substitution p.Trp203Gly. To our knowledge, this variant has not been reported in the literature. This variant is reported in 0.0027% of alleles in individuals of European (Non-Finnish) descent in gnomAD. At this time, the clinical significance of this variant is uncertain due to the absence of conclusive functional and genetic evidence.

NM_144999.4(LRRC45):c.607T>G (p.Trp203Gly)

Gene: LRRC45 (leucine rich repeat containing 45; plus strand). Cytogenetic location: 17q25.3.
Variant type: single nucleotide variant.
Coding change: c.607T>G on transcript NM_144999.4 (MANE Select); coding-DNA position 607, T replaced by G.
Protein change: p.Trp203Gly; replaces tryptophan 203 with glycine.
Molecular consequence: missense variant.
Genome position (GRCh38, 1-based): chr17:82,025,453, T>G. VCF-style: chr17-82025453-T-G. GRCh37 (hg19) VCF-style: chr17-79983329-T-G.
Other names: short protein forms W203G.
Identifiers: ClinVar variation 4983609 (VCV004983609.1).